The following is an entry in ClinVar:

ClinVar aggregate classification (germline): Uncertain significance (1 of 4 stars; one submission).

Conditions:
Pyruvate dehydrogenase E2 deficiency (PDHDD). Also called: Dihydrolipoamide Acetyltransferase (E2) Deficiency; LACTIC ACIDEMIA DUE TO DEFECT OF E2 LIPOYL TRANSACETYLASE OF THE PYRUVATE DEHYDROGENASE COMPLEX. Identifiers: Orphanet 765, Orphanet 79244, MedGen C1855565, MONDO:0009502, OMIM 245348.

Allele frequency attached by ClinVar (database versions not stated): ExAC 0.00001; TOPMed 0.00001.

Submission:

Labcorp Genetics (formerly Invitae), Labcorp
Classification: Uncertain significance for Pyruvate dehydrogenase E2 deficiency. Last evaluated: 2021-08-04. Review status: criteria provided, single submitter. Criteria: Invitae Variant Classification Sherloc (09022015). Collection method: clinical testing. Allele origin: germline.
Comment: This variant has not been reported in the literature in individuals affected with DLAT-related conditions. This variant is present in population databases (rs782283884, ExAC 0.009%). This sequence change affects codon 430 of the DLAT mRNA. It is a 'silent' change, meaning that it does not change the encoded amino acid sequence of the DLAT protein. This variant also falls at the last nucleotide of exon 9, which is part of the consensus splice site for this exon. Nucleotide substitutions within the consensus splice site are a relatively common cause of aberrant splicing (PMID: 17576681, 9536098). Algorithms developed to predict the effect of sequence changes on RNA splicing suggest that this variant may disrupt the consensus splice site. In summary, the available evidence is currently insufficient to determine the role of this variant in disease. Therefore, it has been classified as a Variant of Uncertain Significance.

Literature cited by the submitters: PubMed 17576681; PubMed 9536098.

NM_001931.5(DLAT):c.1290G>A (p.Arg430=)

Gene: DLAT (dihydrolipoamide S-acetyltransferase; plus strand). Cytogenetic location: 11q23.1.
Variant type: single nucleotide variant.
Coding change: c.1290G>A on transcript NM_001931.5 (MANE Select); coding-DNA position 1290, G replaced by A.
Protein change: p.Arg430=; no amino-acid change (arginine 430 retained).
Molecular consequence: synonymous variant. On other transcripts: non-coding transcript variant (1).
Genome position (GRCh38, 1-based): chr11:112,045,230, G>A. VCF-style: chr11-112045230-G-A. GRCh37 (hg19) VCF-style: chr11-111915954-G-A.
Other names: c.1290G>A, p.Arg430= (NM_001372031.1, NM_001372033.1, NM_001372035.1); c.1284G>A, p.Arg428= (NM_001372032.1); c.1257G>A, p.Arg419= (NM_001372034.1); c.1164G>A, p.Arg388= (NM_001372036.1); c.1122G>A, p.Arg374= (NM_001372037.1); c.1011G>A, p.Arg337= (NM_001372038.1); c.975G>A, p.Arg325= (NM_001372039.1, NM_001372041.1); c.909G>A, p.Arg303= (NM_001372040.1); and 1 more.
Identifiers: ClinVar variation 1446637 (VCV001446637.6), dbSNP rs782283884, ClinGen allele CA6276873.